The following is an entry in ClinVar:

NM_000330.4(RS1):c.52+6T>A

Gene: RS1 (retinoschisin 1; minus strand). Cytogenetic location: Xp22.13.
Variant type: single nucleotide variant.
Coding change: c.52+6T>A on transcript NM_000330.4 (MANE Select); 6 bases into the intron after coding-DNA position 52, T replaced by A.
Molecular consequence: intron variant.
Genome position (GRCh38, 1-based): chrX:18,672,011, A>T on the plus strand (T>A on the coding strand, the complement: RS1 is on the minus strand). VCF-style: chrX-18672011-A-T. GRCh37 (hg19) VCF-style: chrX-18690131-A-T.
Identifiers: ClinVar variation 2982444 (VCV002982444.3), dbSNP rs766045580, ClinGen allele CA10360830.

ClinVar aggregate classification (germline): Uncertain significance. Review status: criteria provided, multiple submitters, no conflicts (2 of 4 stars). 2 submissions from 2 submitters: Uncertain significance (2). Last evaluated 2026-06-30.

Allele frequency attached by ClinVar (database versions not stated): ExAC 0.00001.
gnomAD v4.1: 3 of 1,203,485 alleles (0.00025%); highest among the groups gnomAD compares: Admixed American, 0.0065%; no homozygotes.

Submissions (2):

Women's Health and Genetics/Laboratory Corporation of America, LabCorp
Classification: Uncertain significance. Last evaluated: 2026-06-30. Review status: criteria provided, single submitter. Criteria: LabCorp Variant Classification Summary - May 2015. Collection method: clinical testing. Allele origin: germline.

Labcorp Genetics (formerly Invitae), Labcorp
Classification: Uncertain significance. Last evaluated: 2023-10-05. Review status: criteria provided, single submitter. Criteria: Invitae Variant Classification Sherloc (09022015). Collection method: clinical testing. Allele origin: germline.
Comment: This sequence change falls in intron 1 of the RS1 gene. It does not directly change the encoded amino acid sequence of the RS1 protein. It affects a nucleotide within the consensus splice site. This variant is present in population databases (rs766045580, gnomAD 0.008%). This variant has not been reported in the literature in individuals affected with RS1-related conditions. Variants that disrupt the consensus splice site are a relatively common cause of aberrant splicing (PMID: 17576681, 9536098). Algorithms developed to predict the effect of sequence changes on RNA splicing suggest that this variant is not likely to affect RNA splicing. In summary, the available evidence is currently insufficient to determine the role of this variant in disease. Therefore, it has been classified as a Variant of Uncertain Significance.

Literature cited by the submitters: PubMed 17576681 (cited by Labcorp Genetics (formerly Invitae), Labcorp); PubMed 9536098 (cited by Labcorp Genetics (formerly Invitae), Labcorp).